The following is an entry in ClinVar:

ClinVar aggregate classification (germline): Uncertain significance (1 of 4 stars; one submission).

Conditions:
Atrial standstill 1 (ATRST1). Also called: ATRIAL CARDIOMYOPATHY WITH HEART BLOCK; CARDIOMYOPATHY, FAMILIAL, WITH CONDUCTION DISTURBANCE; Atrial standstill, digenic (GJA5/SCN5A). Identifiers: Orphanet 1344, MedGen C4551959, MONDO:0007171, OMIM 108770.
Atrial fibrillation, familial, 11 (ATFB11). Identifiers: MedGen C3279693, MONDO:0013544, OMIM 614049.

Allele frequency attached by ClinVar (database versions not stated): gnomAD 0.00001.
gnomAD v4.1: 1 of 1,614,080 alleles (0.000062%); highest among the groups gnomAD compares: African/African-American, 0.0013%; no homozygotes.

Submission:

Labcorp Genetics (formerly Invitae), Labcorp
Classification: Uncertain significance for Atrial fibrillation, familial, 11; Atrial standstill 1. Last evaluated: 2022-01-06. Review status: criteria provided, single submitter. Criteria: Invitae Variant Classification Sherloc (09022015). Collection method: clinical testing. Allele origin: germline.
Comment: This sequence change replaces isoleucine, which is neutral and non-polar, with asparagine, which is neutral and polar, at codon 174 of the GJA5 protein (p.Ile174Asn). This variant is not present in population databases (gnomAD no frequency). This variant has not been reported in the literature in individuals affected with GJA5-related conditions. Algorithms developed to predict the effect of missense changes on protein structure and function are either unavailable or do not agree on the potential impact of this missense change (SIFT: "Not Available"; PolyPhen-2: "Possibly Damaging"; Align-GVGD: "Not Available"). In summary, the available evidence is currently insufficient to determine the role of this variant in disease. Therefore, it has been classified as a Variant of Uncertain Significance.

NM_181703.4(GJA5):c.521T>A (p.Ile174Asn)

Gene: GJA5 (gap junction protein alpha 5; minus strand). Cytogenetic location: 1q21.2.
Variant type: single nucleotide variant.
Coding change: c.521T>A on transcript NM_181703.4 (MANE Select); coding-DNA position 521, T replaced by A.
Protein change: p.Ile174Asn; replaces isoleucine 174 with asparagine.
Molecular consequence: missense variant.
Genome position (GRCh38, 1-based): chr1:147,758,718, A>T on the plus strand (T>A on the coding strand, the complement: GJA5 is on the minus strand). VCF-style: chr1-147758718-A-T. GRCh37 (hg19) VCF-style: chr1-147230826-A-T.
Other names: c.521T>A, p.Ile174Asn (NM_005266.7); short protein forms I174N.
Identifiers: ClinVar variation 1981816 (VCV001981816.4), dbSNP rs782021732, ClinGen allele CA342395826.